The following is an entry in ClinVar:

NM_000548.5(TSC2):c.2547T>C (p.Thr849=)

Gene: TSC2 (TSC complex subunit 2; plus strand). Cytogenetic location: 16p13.3.
Variant type: single nucleotide variant.
Coding change: c.2547T>C on transcript NM_000548.5 (MANE Select); coding-DNA position 2547, T replaced by C.
Protein change: p.Thr849=; no amino-acid change (threonine 849 retained).
Molecular consequence: synonymous variant.
Genome position (GRCh38, 1-based): chr16:2,075,800, T>C. VCF-style: chr16-2075800-T-C. GRCh37 (hg19) VCF-style: chr16-2125801-T-C.
Other names: c.2547T>C, p.Thr849= (NM_001077183.3, NM_001114382.3, NM_001363528.2 and 3 more transcripts); c.2436T>C, p.Thr812= (NM_001318827.2); c.2400T>C, p.Thr800= (NM_001318829.2); c.1947T>C, p.Thr649= (NM_001318831.2); c.2580T>C, p.Thr860= (NM_001318832.2).
Identifiers: ClinVar variation 821469 (VCV000821469.17), dbSNP rs1596364841, ClinGen allele CA492953447.

ClinVar aggregate classification (germline): Benign/Likely benign. Review status: criteria provided, multiple submitters, no conflicts (2 of 4 stars). 5 submissions from 5 submitters: Benign (2); Likely benign (3). Last evaluated 2025-05-20.

Conditions:
Hereditary cancer-predisposing syndrome. Also called: Hereditary Cancer Syndrome; Neoplastic Syndromes, Hereditary; Hereditary neoplastic syndrome; Tumor predisposition. Identifiers: Orphanet 140162, MedGen C0027672, MeSH D009386, MONDO:0015356.
Tuberous sclerosis syndrome (TSC). Also called: Tuberous Sclerosis Complex; Tuberous sclerosis. Identifiers: Orphanet 805, MedGen C0041341, MONDO:0001734.
Tuberous sclerosis 2 (TSC2). Identifiers: Orphanet 805, MedGen C1860707, MONDO:0013199, OMIM 613254.

Submissions (5):

Myriad Genetics, Inc.
Classification: Benign for Tuberous sclerosis 2. Last evaluated: 2025-05-20. Review status: criteria provided, single submitter. Criteria: Myriad Autosomal Dominant, Autosomal Recessive and X-Linked Classification Criteria (2023). Collection method: clinical testing. Allele origin: unknown.
Comment: This variant is considered benign. This variant is a silent/synonymous amino acid change and it is not expected to impact splicing.

Labcorp Genetics (formerly Invitae), Labcorp
Classification: Likely benign for Tuberous sclerosis 2. Last evaluated: 2024-10-24. Review status: criteria provided, single submitter. Criteria: Invitae Variant Classification Sherloc (09022015). Collection method: clinical testing. Allele origin: germline.

All of Us Research Program, National Institutes of Health
Classification: Likely benign for Tuberous sclerosis syndrome. Last evaluated: 2023-05-16. Review status: criteria provided, single submitter. Criteria: ACMG Guidelines, 2015. Collection method: clinical testing. Allele origin: germline. Inheritance: Autosomal dominant inheritance. Observed: 1 variant allele, 1 heterozygote.
Comment: This study involves interpretation of variants in research participants for the purpose of population health screening. Participant phenotype was not available at the time of variant classification. Additional details can be found in publication PMID: 35346344, PMCID: PMC8962531

Genome-Nilou Lab
Classification: Benign for Tuberous sclerosis 2. Last evaluated: 2021-11-07. Review status: criteria provided, single submitter. Criteria: ACMG Guidelines, 2015. Collection method: clinical testing. Allele origin: germline. Affected: no.

Ambry Genetics
Classification: Likely benign for Hereditary cancer-predisposing syndrome. Last evaluated: 2018-12-14. Review status: criteria provided, single submitter. Criteria: Ambry Variant Classification Scheme 2023. Collection method: clinical testing. Allele origin: germline.